The following is an entry in ClinVar:

NM_001122630.2(CDKN1C):c.522_557del (p.Val184_Pro195del)

Gene: CDKN1C (cyclin dependent kinase inhibitor 1C; minus strand). Cytogenetic location: 11p15.4.
Variant type: Deletion.
Coding change: c.522_557del on transcript NM_001122630.2 (MANE Select); coding-DNA positions 522 to 557, 36 bases deleted.
Protein change: p.Val184_Pro195del.
Molecular consequence: intron variant (on NM_001362475.2).
Genome position (GRCh38, 1-based): chr11:2,884,900-2,884,935, 36 bases deleted; deleting any 36 consecutive bases within chr11:2,884,900-2,884,939 gives the same sequence; the c. name uses the placement nearest the transcript's 3' end. GRCh37 (hg19): chr11:2,906,134-2,906,169.
Other names: c.555_590del, p.Val195_Pro206del (NM_000076.2, NM_001362474.2); c.522_557del, p.Val184_Pro195del (NM_001122631.2); c.255+267_255+302del (NM_001362475.2).
Identifiers: ClinVar variation 5039310 (VCV005039310.1).

ClinVar aggregate classification (germline): Uncertain significance (1 of 4 stars; one submission).

Submission:

CeGaT Center for Human Genetics Tuebingen
Classification: Uncertain significance. Last evaluated: 2026-07-01. Review status: criteria provided, single submitter. Criteria: CeGaT Center For Human Genetics Tuebingen Variant Classification Criteria Version 2. Collection method: clinical testing. Allele origin: germline. Affected: yes. Observed: 1 variant allele.
Comment: CDKN1C: PM2